The following is an entry in ClinVar:

ClinVar aggregate classification (germline): Benign. Review status: criteria provided, multiple submitters, no conflicts (2 of 4 stars). 12 submissions from 8 submitters: Benign (11). 1 of the submissions does not count toward it. Last evaluated 2026-02-03.

Conditions:
Congenital myasthenic syndrome 16. Identifiers: Orphanet 590, MedGen C3280112, MONDO:0013620, OMIM 614198.
Paramyotonia congenita of Von Eulenburg. Also called: PARALYSIS PERIODICA PARAMYOTONICA; Paramyotonia Congenita; Eulenburg disease; Myotonia congenita intermittens; Von Eulenburg paramyotonia congenita. Identifiers: Orphanet 684, MedGen C0221055, MONDO:0008195, OMIM 168300. Disease mechanism: loss of function.
Hypokalemic periodic paralysis, type 2 (HOKPP2). Identifiers: Orphanet 681, MedGen C2750061, MONDO:0013234, OMIM 613345.
Hyperkalemic periodic paralysis. Also called: Familial hyperkalemic periodic paralysis; Gamstorp disease. Identifiers: Orphanet 682, MedGen C0238357, MONDO:0008224, OMIM 170500, HP:0007215.
Potassium-aggravated myotonia. Also called: MYOTONIA CONGENITA, ACETAZOLAMIDE-RESPONSIVE; MYOTONIA CONGENITA, ATYPICAL; SODIUM CHANNEL MUSCLE DISEASE; Myotonia congenita, atypical, acetazolamide-responsive. Identifiers: Orphanet 612, Orphanet 99734, Orphanet 99735, Orphanet 99736, MedGen C2931826, MONDO:0018959, OMIM 608390.

Allele frequency attached by ClinVar (database versions not stated): gnomAD 0.02907 and 0.03137; 1000 Genomes Project 0.02995; ESP Exome Variant Server 0.03169; ExAC 0.00980; 1000 Genomes Project 30x 0.03264; TOPMed 0.03139; gnomAD exomes 0.00288 and 0.00742.
gnomAD v4.1: 8,824 of 1,611,392 alleles (0.55%); highest among the groups gnomAD compares: African/African-American, 10%; 428 homozygotes.

Submissions (12):

Labcorp Genetics (formerly Invitae), Labcorp
Classification: Benign for Hyperkalemic periodic paralysis. Last evaluated: 2026-02-03. Review status: criteria provided, single submitter. Criteria: Invitae Variant Classification Sherloc (09022015). Collection method: clinical testing. Allele origin: germline.

Athena Diagnostics
Classification: Benign. Last evaluated: 2025-10-30. Review status: criteria provided, single submitter. Criteria: Athena Diagnostics Criteria. Collection method: clinical testing. Allele origin: unknown.
Comment: The frequency of this variant in the general population is higher than would generally be expected for pathogenic variants in this gene.

Illumina Laboratory Services, Illumina
Classification: Benign for Hyperkalemic periodic paralysis. Last evaluated: 2018-01-13. Review status: criteria provided, single submitter. Criteria: ICSL Variant Classification Criteria 13 December 2019. Collection method: clinical testing. Allele origin: germline.
Comment: This variant was observed in the ICSL laboratory as part of a predisposition screen in an ostensibly healthy population. It had not been previously curated by ICSL or reported in the Human Gene Mutation Database (HGMD: prior to June 1st, 2018), and was therefore a candidate for classification through an automated scoring system. Utilizing variant allele frequency, disease prevalence and penetrance estimates, and inheritance mode, an automated score was calculated to assess if this variant is too frequent to cause the disease. Based on the score and internal cut-off values, a variant classified as benign is not then subjected to further curation. The score for this variant resulted in a classification of benign for this disease.

Illumina Laboratory Services, Illumina
Classification: Benign for Potassium-aggravated myotonia. Last evaluated: 2018-01-13. Review status: criteria provided, single submitter. Criteria: ICSL Variant Classification Criteria 13 December 2019. Collection method: clinical testing. Allele origin: germline.
Comment: the same text as in the submission from Illumina Laboratory Services, Illumina above.

Illumina Laboratory Services, Illumina
Classification: Benign for Paramyotonia congenita of Von Eulenburg. Last evaluated: 2018-01-13. Review status: criteria provided, single submitter. Criteria: ICSL Variant Classification Criteria 13 December 2019. Collection method: clinical testing. Allele origin: germline.
Comment: the same text as in the submission from Illumina Laboratory Services, Illumina above.

Illumina Laboratory Services, Illumina
Classification: Benign for Hypokalemic periodic paralysis, type 2. Last evaluated: 2018-01-13. Review status: criteria provided, single submitter. Criteria: ICSL Variant Classification Criteria 13 December 2019. Collection method: clinical testing. Allele origin: germline.
Comment: the same text as in the submission from Illumina Laboratory Services, Illumina above.

Illumina Laboratory Services, Illumina
Classification: Benign for Congenital myasthenic syndrome 16. Last evaluated: 2018-01-13. Review status: criteria provided, single submitter. Criteria: ICSL Variant Classification Criteria 13 December 2019. Collection method: clinical testing. Allele origin: germline.
Comment: the same text as in the submission from Illumina Laboratory Services, Illumina above.

Mayo Clinic Laboratories, Mayo Clinic
Classification: Benign. Last evaluated: 2017-10-11. Review status: criteria provided, single submitter. Criteria: ACMG Guidelines, 2015. Collection method: clinical testing. Allele origin: germline. Observed: 22 variant alleles.

GeneDx
Classification: Benign. Last evaluated: 2016-03-24. Review status: criteria provided, single submitter. Criteria: GeneDx Variant Classification (06012015). Collection method: clinical testing. Allele origin: germline. Affected: yes.
Comment: This variant is considered likely benign or benign based on one or more of the following criteria: it is a conservative change, it occurs at a poorly conserved position in the protein, it is predicted to be benign by multiple in silico algorithms, and/or has population frequency not consistent with disease.

Breakthrough Genomics
Classification: Benign. Review status: criteria provided, single submitter. Criteria: ACMG Guidelines, 2015. Collection method: not provided. Allele origin: germline. Inheritance: Autosomal recessive inheritance. Affected: yes.

PreventionGenetics, part of Exact Sciences
Classification: Benign. Review status: criteria provided, single submitter. Criteria: ACMG Guidelines, 2015. Collection method: clinical testing. Allele origin: germline.

Genetic Services Laboratory, University of Chicago
Classification: Likely benign for AllHighlyPenetrant. Review status: no assertion criteria provided. Collection method: clinical testing. Allele origin: germline. Inheritance: Autosomal recessive inheritance. Not counted in ClinVar's aggregate classification.
Comment: Likely benign based on allele frequency in 1000 Genomes Project or ESP global frequency and its presence in a patient with a rare or unrelated disease phenotype. NOT Sanger confirmed.

NM_000334.4(SCN4A):c.4288+10G>T

Genes: GH-LCR (growth hormone locus control region; plus strand), SCN4A (sodium voltage-gated channel alpha subunit 4; minus strand). Cytogenetic location: 17q23.3.
Variant type: single nucleotide variant.
Coding change: c.4288+10G>T on transcript NM_000334.4 (MANE Select); 10 bases into the intron after coding-DNA position 4288, G replaced by T.
Molecular consequence: intron variant.
Genome position (GRCh38, 1-based): chr17:63,942,816, C>A on the plus strand (G>T on the coding strand, the complement: SCN4A is on the minus strand). VCF-style: chr17-63942816-C-A. GRCh37 (hg19) VCF-style: chr17-62020176-C-A.
Other names: p.?.
Identifiers: ClinVar variation 130237 (VCV000130237.25), dbSNP rs114059193, ClinGen allele CA155083.